The following is an entry in ClinVar:

NM_001370259.2(MEN1):c.1160A>T (p.Glu387Val)

Gene: MEN1 (menin 1; minus strand). Cytogenetic location: 11q13.1.
Variant type: single nucleotide variant.
Coding change: c.1160A>T on transcript NM_001370259.2 (MANE Select); coding-DNA position 1160, A replaced by T.
Protein change: p.Glu387Val; replaces glutamic acid 387 with valine.
Molecular consequence: missense variant. On other transcripts: non-coding transcript variant (4).
Genome position (GRCh38, 1-based): chr11:64,805,660, T>A on the plus strand (A>T on the coding strand, the complement: MEN1 is on the minus strand). VCF-style: chr11-64805660-T-A. GRCh37 (hg19) VCF-style: chr11-64573132-T-A.
Other names: c.1175A>T, p.Glu392Val (NM_000244.4, NM_001407145.1, NM_130800.3 and 4 more transcripts); c.1286A>T, p.Glu429Val (NM_001370251.2, NM_001407142.1, NM_001407143.1 and 1 more transcripts); c.1160A>T, p.Glu387Val (NM_001370260.2, NM_001370261.2, NM_001407146.1 and 3 more transcripts); c.1055A>T, p.Glu352Val (NM_001370262.2, NM_001370263.2, NM_001407148.1 and 1 more transcripts); c.1301A>T, p.Glu434Val (NM_001407150.1); c.1181A>T, p.Glu394Val (NM_001407151.1); short protein forms E387V, E394V, E429V, E434V, E352V, E392V.
Identifiers: ClinVar variation 3394986 (VCV003394986.1).
Genomic context (GRCh38, chr11:64,805,660, plus strand): 5'-GAGGCTGGACACAGGCTGGAGCTCCAGCCTTTCACCTGGCTTTGCTCCCCCGGCCGCTCC[T>A]CGCCCGCCTCCAGCAAGCTGGCTGCCTCCTTCAGCAGGTTGGGGATGACATCATTGGCTA-3'
Protein context (NP_001357188.2, residues 377-397): KEAASLLEAG[Glu387Val]ERPGEQSQGT

ClinVar aggregate classification (germline): Uncertain significance (1 of 4 stars; one submission).

Conditions:
Hereditary cancer-predisposing syndrome. Also called: Hereditary Cancer Syndrome; Tumor predisposition; Hereditary neoplastic syndrome; Neoplastic Syndromes, Hereditary. Identifiers: Orphanet 140162, MedGen C0027672, MeSH D009386, MONDO:0015356.

Submission:

Ambry Genetics
Classification: Uncertain significance for Hereditary cancer-predisposing syndrome. Last evaluated: 2024-10-24. Review status: criteria provided, single submitter. Criteria: Ambry Variant Classification Scheme 2023. Collection method: clinical testing. Allele origin: germline.
Comment: The p.E387V variant (also known as c.1160A>T), located in coding exon 7 of the MEN1 gene, results from an A to T substitution at nucleotide position 1160. The glutamic acid at codon 387 is replaced by valine, an amino acid with dissimilar properties. This amino acid position is conserved. In addition, the in silico prediction for this alteration is inconclusive. Based on the available evidence, the clinical significance of this variant remains unclear.